The following is an entry in ClinVar:

NM_020719.3(PRR12):c.74C>A (p.Ser25Ter)

Genes: PRR12 (proline rich 12; plus strand), LOC130064931 (ATAC-STARR-seq lymphoblastoid silent region 10924; plus strand). Cytogenetic location: 19q13.33.
Variant type: single nucleotide variant.
Coding change: c.74C>A on transcript NM_020719.3 (MANE Select); coding-DNA position 74, C replaced by A.
Protein change: p.Ser25Ter; replaces serine 25 with a stop codon.
Molecular consequence: nonsense.
Genome position (GRCh38, 1-based): chr19:49,591,728, C>A. VCF-style: chr19-49591728-C-A. GRCh37 (hg19) VCF-style: chr19-50094985-C-A.
Other names: short protein forms S25*.
Identifiers: ClinVar variation 3392597 (VCV003392597.1).
Genomic context (GRCh38, chr19:49,591,728, plus strand): 5'-ACCCCAGCGCCGGCTTCGGGGACCCGCTCGGCGCCGGGGCGGGATGGAGTTACGAGAGGT[C>A]AGCGAAAGCTAGGTAAGGAGCTGAGGGTGGCCTAGAGAAGGGGGCCAAGGGGTGGGAGCC-3'

ClinVar aggregate classification (germline): Likely pathogenic (1 of 4 stars; one submission).

Submission:

GeneDx
Classification: Likely pathogenic. Last evaluated: 2024-06-25. Review status: criteria provided, single submitter. Criteria: GeneDx Variant Classification Process June 2021. Collection method: clinical testing. Allele origin: germline. Affected: yes.
Comment: Nonsense variant predicted to result in protein truncation or nonsense mediated decay in a gene for which loss of function is a known mechanism of disease; Not observed at significant frequency in large population cohorts (gnomAD); Has not been previously published as pathogenic or benign to our knowledge